The following is an entry in ClinVar:

NM_001122630.2(CDKN1C):c.223T>A (p.Ser75Thr)

Gene: CDKN1C (cyclin dependent kinase inhibitor 1C; minus strand). Cytogenetic location: 11p15.4.
Variant type: single nucleotide variant.
Coding change: c.223T>A on transcript NM_001122630.2 (MANE Select); coding-DNA position 223, T replaced by A.
Protein change: p.Ser75Thr; replaces serine 75 with threonine.
Molecular consequence: missense variant.
Genome position (GRCh38, 1-based): chr11:2,885,234, A>T on the plus strand (T>A on the coding strand, the complement: CDKN1C is on the minus strand). VCF-style: chr11-2885234-A-T. GRCh37 (hg19) VCF-style: chr11-2906464-A-T.
Other names: c.256T>A, p.Ser86Thr (NM_000076.2, NM_001362474.2); c.223T>A, p.Ser75Thr (NM_001122631.2, NM_001362475.2); short protein forms S75T, S86T.
Identifiers: ClinVar variation 4704361 (VCV004704361.1).

ClinVar aggregate classification (germline): Uncertain significance (1 of 4 stars; one submission).

Conditions:
Beckwith-Wiedemann syndrome (BWS). Also called: Exomphalos macroglossia gigantism syndrome; EMG SYNDROME. Identifiers: Orphanet 116, MedGen C0004903, MONDO:0007534, OMIM 130650.

Submission:

Labcorp Genetics (formerly Invitae), Labcorp
Classification: Uncertain significance for Beckwith-Wiedemann syndrome. Last evaluated: 2025-10-28. Review status: criteria provided, single submitter. Criteria: Invitae Variant Classification Sherloc (09022015). Collection method: clinical testing. Allele origin: germline.
Comment: This sequence change replaces serine, which is neutral and polar, with threonine, which is neutral and polar, at codon 86 of the CDKN1C protein (p.Ser86Thr). This variant is not present in population databases (gnomAD no frequency). This variant has not been reported in the literature in individuals affected with CDKN1C-related conditions. Invitae Evidence Modeling of protein sequence and biophysical properties (such as structural, functional, and spatial information, amino acid conservation, physicochemical variation, residue mobility, and thermodynamic stability) indicates that this missense variant is not expected to disrupt CDKN1C protein function with a negative predictive value of 80%. In summary, the available evidence is currently insufficient to determine the role of this variant in disease. Therefore, it has been classified as a Variant of Uncertain Significance.